The following is an entry in ClinVar:

ClinVar aggregate classification (germline): Pathogenic (1 of 4 stars; one submission).

Submission:

Labcorp Genetics (formerly Invitae), Labcorp
Classification: Pathogenic. Last evaluated: 2025-10-23. Review status: criteria provided, single submitter. Criteria: Invitae Variant Classification Sherloc (09022015). Collection method: clinical testing. Allele origin: germline.
Comment: This sequence change creates a premature translational stop signal (p.Trp265*) in the SERPING1 gene. It is expected to result in an absent or disrupted protein product. Loss-of-function variants in SERPING1 are known to be pathogenic (PMID: 11112899, 24456027). This variant is not present in population databases (gnomAD no frequency). This premature translational stop signal has been observed in individual(s) with hereditary angioedema type 1 (PMID: 15971231). For these reasons, this variant has been classified as Pathogenic.

Literature cited by the submitters: PubMed 11112899; PubMed 24456027; PubMed 15971231.

NM_000062.3(SERPING1):c.795G>A (p.Trp265Ter)

Gene: SERPING1 (serpin family G member 1; plus strand). Cytogenetic location: 11q12.1.
Variant type: single nucleotide variant.
Coding change: c.795G>A on transcript NM_000062.3 (MANE Select); coding-DNA position 795, G replaced by A.
Protein change: p.Trp265Ter; replaces tryptophan 265 with a stop codon.
Molecular consequence: nonsense.
Genome position (GRCh38, 1-based): chr11:57,606,119, G>A. VCF-style: chr11-57606119-G-A. GRCh37 (hg19) VCF-style: chr11-57373592-G-A.
Other names: c.795G>A, p.Trp265Ter (NM_001032295.2); short protein forms W265*.
Identifiers: ClinVar variation 4709833 (VCV004709833.1).
Genomic context (GRCh38, chr11:57,606,119, plus strand): 5'-CAGCAGCCCCAGAGTCCTAAGCAACAACAGTGACGCCAACTTGGAGCTCATCAACACCTG[G>A]GTGGCCAAGAACACCAACAACAAGATCAGCCGGCTGCTAGACAGTCTGCCCTCCGATACC-3'